The following is an entry in ClinVar:

ClinVar aggregate classification (germline): Uncertain significance (1 of 4 stars; one submission).

Conditions:
Familial thoracic aortic aneurysm and aortic dissection (TAAD). Also called: Thoracic aortic aneurysms and dissections. Identifiers: Orphanet 91387, MedGen C4707243, MONDO:0019625.

Submission:

Labcorp Genetics (formerly Invitae), Labcorp
Classification: Uncertain significance for Familial thoracic aortic aneurysm and aortic dissection. Last evaluated: 2024-02-17. Review status: criteria provided, single submitter. Criteria: Invitae Variant Classification Sherloc (09022015). Collection method: clinical testing. Allele origin: germline.
Comment: This sequence change replaces alanine, which is neutral and non-polar, with threonine, which is neutral and polar, at codon 31 of the TGFBR1 protein (p.Ala31Thr). This variant is present in population databases (no rsID available, gnomAD 0.01%). This variant has not been reported in the literature in individuals affected with TGFBR1-related conditions. Advanced modeling of protein sequence and biophysical properties (such as structural, functional, and spatial information, amino acid conservation, physicochemical variation, residue mobility, and thermodynamic stability) performed at Invitae indicates that this missense variant is not expected to disrupt TGFBR1 protein function with a negative predictive value of 95%. In summary, the available evidence is currently insufficient to determine the role of this variant in disease. Therefore, it has been classified as a Variant of Uncertain Significance.

NM_004612.4(TGFBR1):c.91G>A (p.Ala31Thr)

Gene: TGFBR1 (transforming growth factor beta receptor 1; plus strand). Cytogenetic location: 9q22.33.
Variant type: single nucleotide variant.
Coding change: c.91G>A on transcript NM_004612.4 (MANE Select); coding-DNA position 91, G replaced by A.
Protein change: p.Ala31Thr; replaces alanine 31 with threonine.
Molecular consequence: missense variant. On other transcripts: 5 prime UTR variant (5), non-coding transcript variant (4), intron variant (8).
Genome position (GRCh38, 1-based): chr9:99,105,296, G>A. VCF-style: chr9-99105296-G-A. GRCh37 (hg19) VCF-style: chr9-101867578-G-A.
Other names: c.91G>A, p.Ala31Thr (NM_001130916.3, NM_001306210.2, NM_001407416.1 and 5 more transcripts); c.-253G>A (NM_001407420.1, NM_001407429.1); c.-222G>A (NM_001407422.1, NM_001407426.1); c.-177G>A (NM_001407428.1); c.-111+1555G>A (NM_001407418.1, NM_001407423.1); c.-111+1190G>A (NM_001407424.1); c.-111+777G>A (NM_001407425.1); c.-111+570G>A (NM_001407434.1); and 2 more; short protein forms A31T.
Identifiers: ClinVar variation 3711964 (VCV003711964.1).